The following is an entry in ClinVar:

ClinVar aggregate classification (germline): Uncertain significance (1 of 4 stars; one submission).

gnomAD v4.1: 1 of 1,210,185 alleles (0.000083%); highest among the groups gnomAD compares: Admixed American, 0.0022%; no homozygotes.

Submission:

GeneDx
Classification: Uncertain significance. Last evaluated: 2026-08-09. Review status: criteria provided, single submitter. Criteria: GeneDx Variant Classification Process June 2021. Collection method: clinical testing. Allele origin: germline.
Comment: In silico analysis supports that this missense variant does not alter protein structure/function; Has not been previously published as pathogenic or benign to our knowledge

NM_031407.7(HUWE1):c.11495A>G (p.Gln3832Arg)

Gene: HUWE1 (HECT, UBA and WWE domain containing E3 ubiquitin protein ligase 1; minus strand). Cytogenetic location: Xp11.22.
Variant type: single nucleotide variant.
Coding change: c.11495A>G on transcript NM_031407.7 (MANE Select); coding-DNA position 11495, A replaced by G.
Protein change: p.Gln3832Arg; replaces glutamine 3832 with arginine.
Molecular consequence: missense variant.
Genome position (GRCh38, 1-based): chrX:53,539,794, T>C on the plus strand (A>G on the coding strand, the complement: HUWE1 is on the minus strand). VCF-style: chrX-53539794-T-C. GRCh37 (hg19) VCF-style: chrX-53566755-T-C.
Other names: short protein forms Q3832R.
Identifiers: ClinVar variation 3368288 (VCV003368288.2).